The following is an entry in ClinVar:

ClinVar aggregate classification (germline): Uncertain significance (1 of 4 stars; one submission).

Allele frequency attached by ClinVar (database versions not stated): gnomAD exomes 0.00001; TOPMed 0.00002.
gnomAD v4.1: 9 of 1,551,554 alleles (0.00058%); highest among the groups gnomAD compares: Middle Eastern, 0.05%; no homozygotes.

Submission:

Labcorp Genetics (formerly Invitae), Labcorp
Classification: Uncertain significance. Last evaluated: 2024-12-27. Review status: criteria provided, single submitter. Criteria: Invitae Variant Classification Sherloc (09022015). Collection method: clinical testing. Allele origin: germline.
Comment: This sequence change replaces isoleucine, which is neutral and non-polar, with valine, which is neutral and non-polar, at codon 129 of the CPLANE1 protein (p.Ile129Val). This variant is not present in population databases (gnomAD no frequency). This variant has not been reported in the literature in individuals affected with CPLANE1-related conditions. ClinVar contains an entry for this variant (Variation ID: 2079359). Invitae Evidence Modeling of protein sequence and biophysical properties (such as structural, functional, and spatial information, amino acid conservation, physicochemical variation, residue mobility, and thermodynamic stability) indicates that this missense variant is not expected to disrupt CPLANE1 protein function with a negative predictive value of 95%. In summary, the available evidence is currently insufficient to determine the role of this variant in disease. Therefore, it has been classified as a Variant of Uncertain Significance.

NM_001384732.1(CPLANE1):c.385A>G (p.Ile129Val)

Gene: CPLANE1 (ciliogenesis and planar polarity effector complex subunit 1; minus strand). Cytogenetic location: 5p13.2.
Variant type: single nucleotide variant.
Coding change: c.385A>G on transcript NM_001384732.1 (MANE Select); coding-DNA position 385, A replaced by G.
Protein change: p.Ile129Val; replaces isoleucine 129 with valine.
Molecular consequence: missense variant.
Genome position (GRCh38, 1-based): chr5:37,244,560, T>C on the plus strand (A>G on the coding strand, the complement: CPLANE1 is on the minus strand). VCF-style: chr5-37244560-T-C. GRCh37 (hg19) VCF-style: chr5-37244662-T-C.
Other names: c.385A>G, p.Ile129Val (NM_023073.4); short protein forms I129V.
Identifiers: ClinVar variation 2079359 (VCV002079359.2), dbSNP rs868110386, ClinGen allele CA117068861.